The following is an entry in ClinVar:

NM_004287.5(GOSR2):c.568A>G (p.Lys190Glu)

Genes: GOSR2 (golgi SNAP receptor complex member 2; plus strand), LRRC37A2 (leucine rich repeat containing 37 member A2). Cytogenetic location: 17q21.32.
Variant type: single nucleotide variant.
Coding change: c.568A>G on transcript NM_004287.5 (MANE Select); coding-DNA position 568, A replaced by G.
Protein change: p.Lys190Glu; replaces lysine 190 with glutamic acid.
Molecular consequence: missense variant. On other transcripts: non-coding transcript variant (3).
Genome position (GRCh38, 1-based): chr17:46,938,689, A>G. VCF-style: chr17-46938689-A-G. GRCh37 (hg19) VCF-style: chr17-45016055-A-G.
Other names: c.568A>G, p.Lys190Glu (NM_001321133.2, NM_054022.4); c.373A>G, p.Lys125Glu (NM_001321134.2); c.427A>G, p.Lys143Glu (NM_001330252.2); c.565A>G, p.Lys189Glu (NM_001353114.2); c.424A>G, p.Lys142Glu (NM_001353115.2, NM_001353116.2); c.514A>G, p.Lys172Glu (NM_001363851.2); short protein forms K189E, K143E, K172E, K125E, K142E, K190E.
Identifiers: ClinVar variation 837313 (VCV000837313.2), dbSNP rs765094724, ClinGen allele CA8621358.

ClinVar aggregate classification (germline): Uncertain significance. Review status: criteria provided, multiple submitters, no conflicts (2 of 4 stars). 2 submissions from 2 submitters: Uncertain significance (2). Last evaluated 2024-03-19.

Conditions:
Progressive myoclonic epilepsy. Also called: Familial progressive myoclonic epilepsy; Myoclonus epilepsy; Progressive myoclonus epilepsy; Myoclonic Epilepsies, Progressive. Identifiers: Orphanet 308, Orphanet 98261, MedGen C0751778, MONDO:0020074.
Inborn genetic diseases. Identifiers: MedGen C0950123, MeSH D030342.

Allele frequency attached by ClinVar (database versions not stated): gnomAD exomes below 0.00001; TOPMed below 0.00001; ExAC 0.00001.
gnomAD v4.1: 2 of 1,613,796 alleles (0.00012%); highest among the groups gnomAD compares: African/African-American, 0.0013%; no homozygotes.

Submissions (2):

Ambry Genetics
Classification: Uncertain significance for Inborn genetic diseases. Last evaluated: 2024-03-19. Review status: criteria provided, single submitter. Criteria: Ambry Variant Classification Scheme 2023. Collection method: clinical testing. Allele origin: germline.

Labcorp Genetics (formerly Invitae), Labcorp
Classification: Uncertain significance for Progressive myoclonic epilepsy. Last evaluated: 2019-02-18. Review status: criteria provided, single submitter. Criteria: Invitae Variant Classification Sherloc (09022015). Collection method: clinical testing. Allele origin: germline.
Comment: This sequence change replaces lysine with glutamic acid at codon 190 of the GOSR2 protein (p.Lys190Glu). The lysine residue is highly conserved and there is a small physicochemical difference between lysine and glutamic acid. This variant is present in population databases (rs765094724, ExAC 0.001%). This variant has not been reported in the literature in individuals with GOSR2-related conditions. Algorithms developed to predict the effect of missense changes on protein structure and function (SIFT, PolyPhen-2, Align-GVGD) all suggest that this variant is likely to be tolerated, but these predictions have not been confirmed by published functional studies and their clinical significance is uncertain. In summary, the available evidence is currently insufficient to determine the role of this variant in disease. Therefore, it has been classified as a Variant of Uncertain Significance.